The following is an entry in ClinVar:

NM_000631.5(NCF4):c.566T>C (p.Leu189Pro)

Gene: NCF4 (neutrophil cytosolic factor 4; plus strand). Cytogenetic location: 22q12.3.
Variant type: single nucleotide variant.
Coding change: c.566T>C on transcript NM_000631.5 (MANE Select); coding-DNA position 566, T replaced by C.
Protein change: p.Leu189Pro; replaces leucine 189 with proline.
Molecular consequence: missense variant.
Genome position (GRCh38, 1-based): chr22:36,872,364, T>C. VCF-style: chr22-36872364-T-C. GRCh37 (hg19) VCF-style: chr22-37268406-T-C.
Other names: c.566T>C, p.Leu189Pro (NM_013416.4); short protein forms L189P.
Identifiers: ClinVar variation 2164419 (VCV002164419.3), dbSNP rs1244601933, ClinGen allele CA411385691.
Genomic context (GRCh38, chr22:36,872,364, plus strand): 5'-CCTTACTGCACGCTTCTCCTCAGGCTCTATTTGACTTCACTGGAAACAGCAAACTGGAGC[T>C]GAATTTCAAAGCTGGAGATGTGATCTTCCTCCTCAGTCGGATCAACAAAGACTGGCTGGA-3'
Protein context (NP_000622.2, residues 179-199): FDFTGNSKLE[Leu189Pro]NFKAGDVIFL

ClinVar aggregate classification (germline): Uncertain significance. Review status: criteria provided, multiple submitters, no conflicts (2 of 4 stars). 2 submissions from 2 submitters: Uncertain significance (2). Last evaluated 2025-08-28.

Conditions:
Granulomatous disease, chronic, autosomal recessive, cytochrome b-positive, type 3. Also called: Granulomatous disease, chronic, autosomal recessive, cytochrome b-positive, type III; GRANULOMATOUS DISEASE, CHRONIC, DUE TO NCF4 DEFICIENCY; GRANULOMATOUS DISEASE, CHRONIC, AUTOSOMAL RECESSIVE, 3; CGD, AUTOSOMAL RECESSIVE CYTOCHROME b-POSITIVE, TYPE III. Identifiers: Orphanet 379, MedGen C3151409, MONDO:0013507, OMIM 613960.

Allele frequency attached by ClinVar (database versions not stated): gnomAD 0.00001.

Submissions (2):

Ambry Genetics
Classification: Uncertain significance. Last evaluated: 2025-08-28. Review status: criteria provided, single submitter. Criteria: Ambry Variant Classification Scheme 2023. Collection method: clinical testing. Allele origin: germline.

Labcorp Genetics (formerly Invitae), Labcorp
Classification: Uncertain significance for Granulomatous disease, chronic, autosomal recessive, cytochrome b-positive, type 3. Last evaluated: 2022-05-16. Review status: criteria provided, single submitter. Criteria: Invitae Variant Classification Sherloc (09022015). Collection method: clinical testing. Allele origin: germline.
Comment: This sequence change replaces leucine, which is neutral and non-polar, with proline, which is neutral and non-polar, at codon 189 of the NCF4 protein (p.Leu189Pro). This variant is present in population databases (no rsID available, gnomAD 0.007%). This variant has not been reported in the literature in individuals affected with NCF4-related conditions. Algorithms developed to predict the effect of missense changes on protein structure and function are either unavailable or do not agree on the potential impact of this missense change (SIFT: "Deleterious"; PolyPhen-2: "Probably Damaging"; Align-GVGD: "Class C0"). In summary, the available evidence is currently insufficient to determine the role of this variant in disease. Therefore, it has been classified as a Variant of Uncertain Significance.